The following is an entry in ClinVar:

ClinVar aggregate classification (germline): Uncertain significance (1 of 4 stars; one submission).

Allele frequency attached by ClinVar (database versions not stated): TOPMed below 0.00001; gnomAD 0.00001.
gnomAD v4.1: 2 of 1,531,116 alleles (0.00013%); highest among the groups gnomAD compares: Non-Finnish European, 0.00017%; no homozygotes.

Submission:

Labcorp Genetics (formerly Invitae), Labcorp
Classification: Uncertain significance. Last evaluated: 2022-08-12. Review status: criteria provided, single submitter. Criteria: Invitae Variant Classification Sherloc (09022015). Collection method: clinical testing. Allele origin: germline.
Comment: This sequence change replaces alanine, which is neutral and non-polar, with valine, which is neutral and non-polar, at codon 219 of the KCNC3 protein (p.Ala219Val). This variant is not present in population databases (gnomAD no frequency). This variant has not been reported in the literature in individuals affected with KCNC3-related conditions. Advanced modeling of protein sequence and biophysical properties (such as structural, functional, and spatial information, amino acid conservation, physicochemical variation, residue mobility, and thermodynamic stability) performed at Invitae indicates that this missense variant is not expected to disrupt KCNC3 protein function. In summary, the available evidence is currently insufficient to determine the role of this variant in disease. Therefore, it has been classified as a Variant of Uncertain Significance.

NM_004977.3(KCNC3):c.656C>T (p.Ala219Val)

Gene: KCNC3 (potassium voltage-gated channel subfamily C member 3; minus strand). Cytogenetic location: 19q13.33.
Variant type: single nucleotide variant.
Coding change: c.656C>T on transcript NM_004977.3 (MANE Select); coding-DNA position 656, C replaced by T.
Protein change: p.Ala219Val; replaces alanine 219 with valine.
Molecular consequence: missense variant.
Genome position (GRCh38, 1-based): chr19:50,328,427, G>A on the plus strand (C>T on the coding strand, the complement: KCNC3 is on the minus strand). VCF-style: chr19-50328427-G-A. GRCh37 (hg19) VCF-style: chr19-50831684-G-A.
Other names: c.428C>T, p.Ala143Val (NM_001372305.1); short protein forms A143V, A219V.
Identifiers: ClinVar variation 1976369 (VCV001976369.5), dbSNP rs1439350386, ClinGen allele CA406954561.